The following is an entry in ClinVar:

NM_001167.4(XIAP):c.416_417del (p.Tyr139fs)

Gene: XIAP (X-linked inhibitor of apoptosis; plus strand). Cytogenetic location: Xq25.
Variant type: Deletion.
Coding change: c.416_417del on transcript NM_001167.4 (MANE Select); coding-DNA positions 416 to 417, 2 bases deleted (AT; older notation c.416_417delAT).
Protein change: p.Tyr139fs; shifts the reading frame from tyrosine 139.
Molecular consequence: frameshift variant.
Genome position (GRCh38, 1-based): chrX:123,886,078-123,886,079, AT deleted; deleting any 2 consecutive bases within chrX:123,886,077-123,886,079 gives the same sequence; the c. name uses the placement nearest the transcript's 3' end. VCF-style (leftmost placement, unchanged base first): chrX-123886076-CTA-C. GRCh37 (hg19) VCF-style: chrX-123019926-CTA-C.
Other names: c.416_417del, p.Tyr139fs (NM_001204401.2, NM_001378590.1, NM_001378591.1 and 1 more transcripts); short protein forms Y139fs.
Identifiers: ClinVar variation 3653116 (VCV003653116.2).
Genomic context (GRCh38, chrX:123,886,076, plus strand): 5'-AAACTATCTGGGAAGCAGAGATCATTTTGCCTTAGACAGGCCATCTGAGACACATGCAGA[CTA>C]TCTTTTGAGAACTGGGCAGGTTGTAGATATATCAGACACCATATACCCGAGGAACCCTGC-3'

ClinVar aggregate classification (germline): Pathogenic (1 of 4 stars; one submission).

Conditions:
X-linked lymphoproliferative disease due to XIAP deficiency. Also called: XIAP-Related Lymphoproliferative Disease, X-Linked; XIAP DEFICIENCY. Identifiers: Orphanet 2442, Orphanet 538934, MedGen C1845076, MONDO:0010385, OMIM 300635.

Submission:

Labcorp Genetics (formerly Invitae), Labcorp
Classification: Pathogenic for X-linked lymphoproliferative disease due to XIAP deficiency. Last evaluated: 2024-05-12. Review status: criteria provided, single submitter. Criteria: Invitae Variant Classification Sherloc (09022015). Collection method: clinical testing. Allele origin: germline.
Comment: This sequence change creates a premature translational stop signal (p.Tyr139Serfs*23) in the XIAP gene. It is expected to result in an absent or disrupted protein product. Loss-of-function variants in XIAP are known to be pathogenic (PMID: 17080092, 21119115, 25666262). This variant is not present in population databases (gnomAD no frequency). This variant has not been reported in the literature in individuals affected with XIAP-related conditions. For these reasons, this variant has been classified as Pathogenic.

Literature cited by the submitters: PubMed 17080092; PubMed 21119115; PubMed 25666262.